The following is an entry in ClinVar:

NM_004252.5(NHERF1):c.44G>T (p.Cys15Phe)

Genes: NHERF1 (NHERF family PDZ scaffold protein 1; plus strand), SLC9A3R1-AS1 (SLC9A3R1 antisense RNA 1; minus strand). Cytogenetic location: 17q25.1.
Variant type: single nucleotide variant.
Coding change: c.44G>T on transcript NM_004252.5 (MANE Select); coding-DNA position 44, G replaced by T.
Protein change: p.Cys15Phe; replaces cysteine 15 with phenylalanine.
Molecular consequence: missense variant.
Genome position (GRCh38, 1-based): chr17:74,748,890, G>T. VCF-style: chr17-74748890-G-T. GRCh37 (hg19) VCF-style: chr17-72745029-G-T.
Other names: short protein forms C15F.
Identifiers: ClinVar variation 1524259 (VCV001524259.7), dbSNP rs1163868389, ClinGen allele CA400935843.

ClinVar aggregate classification (germline): Uncertain significance (1 of 4 stars; one submission).

Allele frequency attached by ClinVar (database versions not stated): gnomAD exomes below 0.00001.

Submission:

Labcorp Genetics (formerly Invitae), Labcorp
Classification: Uncertain significance. Last evaluated: 2021-04-08. Review status: criteria provided, single submitter. Criteria: Invitae Variant Classification Sherloc (09022015). Collection method: clinical testing. Allele origin: germline.
Comment: In summary, the available evidence is currently insufficient to determine the role of this variant in disease. Therefore, it has been classified as a Variant of Uncertain Significance. Algorithms developed to predict the effect of missense changes on protein structure and function are either unavailable or do not agree on the potential impact of this missense change (SIFT: "Tolerated"; PolyPhen-2: "Probably Damaging"; Align-GVGD: "Class C0"). This variant has not been reported in the literature in individuals with SLC9A3R1-related conditions. This variant is not present in population databases (ExAC no frequency). This sequence change replaces cysteine with phenylalanine at codon 15 of the SLC9A3R1 protein (p.Cys15Phe). The cysteine residue is highly conserved and there is a large physicochemical difference between cysteine and phenylalanine.